The following is an entry in ClinVar:

ClinVar aggregate classification (germline): Uncertain significance (1 of 4 stars; one submission).

Conditions:
Early Myoclonic Encephalopathy. Identifiers: MedGen C0270855.

Submission:

Labcorp Genetics (formerly Invitae), Labcorp
Classification: Uncertain significance for Early Myoclonic Encephalopathy. Last evaluated: 2025-07-14. Review status: criteria provided, single submitter. Criteria: Invitae Variant Classification Sherloc (09022015). Collection method: clinical testing. Allele origin: germline.
Comment: This sequence change replaces glutamic acid, which is acidic and polar, with lysine, which is basic and polar, at codon 1635 of the JMJD1C protein (p.Glu1635Lys). This variant is not present in population databases (gnomAD no frequency). This variant has not been reported in the literature in individuals affected with JMJD1C-related conditions. ClinVar contains an entry for this variant (Variation ID: 835303). Invitae Evidence Modeling of protein sequence and biophysical properties (such as structural, functional, and spatial information, amino acid conservation, physicochemical variation, residue mobility, and thermodynamic stability) has been performed for this missense variant. However, the output from this modeling did not meet the statistical confidence thresholds required to predict the impact of this variant on JMJD1C protein function. In summary, the available evidence is currently insufficient to determine the role of this variant in disease. Therefore, it has been classified as a Variant of Uncertain Significance.

NM_032776.3(JMJD1C):c.4903G>A (p.Glu1635Lys)

Gene: JMJD1C (jumonji domain containing 1C; minus strand). Cytogenetic location: 10q21.3.
Variant type: single nucleotide variant.
Coding change: c.4903G>A on transcript NM_032776.3 (MANE Select); coding-DNA position 4903, G replaced by A.
Protein change: p.Glu1635Lys; replaces glutamic acid 1635 with lysine.
Molecular consequence: missense variant. On other transcripts: non-coding transcript variant (1).
Genome position (GRCh38, 1-based): chr10:63,206,766, C>T on the plus strand (G>A on the coding strand, the complement: JMJD1C is on the minus strand). VCF-style: chr10-63206766-C-T. GRCh37 (hg19) VCF-style: chr10-64966526-C-T.
Other names: c.4357G>A, p.Glu1453Lys (NM_001282948.2, NM_001318154.2); c.4039G>A, p.Glu1347Lys (NM_001318153.2); c.4789G>A, p.Glu1597Lys (NM_001322252.2); c.4246G>A, p.Glu1416Lys (NM_001322254.2, NM_001322258.2); short protein forms E1416K, E1635K, E1347K, E1597K, E1453K.
Identifiers: ClinVar variation 835303 (VCV000835303.9), dbSNP rs1846674389, ClinGen allele CA377035970.